The following is an entry in ClinVar:

ClinVar aggregate classification (germline): Uncertain significance. Review status: criteria provided, multiple submitters, no conflicts (2 of 4 stars). 3 submissions from 3 submitters: Uncertain significance (3). Last evaluated 2025-12-02.

Conditions:
Cardiovascular phenotype. Identifiers: MedGen CN230736.
Myofibrillar myopathy 4. Also called: Zaspopathy (type). Identifiers: Orphanet 98912, MedGen C4721886, MONDO:0012277, OMIM 609452.

Allele frequency attached by ClinVar (database versions not stated): gnomAD exomes below 0.00001; TOPMed 0.00001; gnomAD 0.00003.
gnomAD v4.1: 10 of 1,612,742 alleles (0.00062%); highest among the groups gnomAD compares: African/African-American, 0.013%; no homozygotes.

Submissions (3):

Labcorp Genetics (formerly Invitae), Labcorp
Classification: Uncertain significance for Myofibrillar myopathy 4. Last evaluated: 2025-12-02. Review status: criteria provided, single submitter. Criteria: Invitae Variant Classification Sherloc (09022015). Collection method: clinical testing. Allele origin: germline.
Comment: The LDB3 gene has multiple clinically relevant transcripts. This variant occurs in alternate transcript NM_007078.3, and corresponds to NM_001080116.1:c.321+1385G>A in the primary transcript. This sequence change replaces serine, which is neutral and polar, with asparagine, which is neutral and polar, at codon 143 of the LDB3 protein ( p.Ser143Asn). This variant is present in population databases (no rsID available, gnomAD 0.02%). This variant has not been reported in the literature in individuals affected with LDB3-related conditions. ClinVar contains an entry for this variant (Variation ID: 1203323). Experimental studies and prediction algorithms are not available or were not evaluated, and the functional significance of this variant is currently unknown. Algorithms developed to predict the effect of sequence changes on RNA splicing suggest that this variant is not likely to affect RNA splicing. In summary, the available evidence is currently insufficient to determine the role of this variant in disease. Therefore, it has been classified as a Variant of Uncertain Significance.

Ambry Genetics
Classification: Uncertain significance for Cardiovascular phenotype. Last evaluated: 2024-09-08. Review status: criteria provided, single submitter. Criteria: Ambry Variant Classification Scheme 2023. Collection method: clinical testing. Allele origin: germline.
Comment: The p.S143N variant (also known as c.428G>A), located in coding exon 4 of the LDB3 gene, results from a G to A substitution at nucleotide position 428. The serine at codon 143 is replaced by asparagine, an amino acid with highly similar properties. This amino acid position is conserved. In addition, this alteration is predicted to be tolerated by in silico analysis. Since supporting evidence is limited at this time, the clinical significance of this alteration remains unclear.

GeneDx
Classification: Uncertain significance. Last evaluated: 2023-04-21. Review status: criteria provided, single submitter. Criteria: GeneDx Variant Classification Process June 2021. Collection method: clinical testing. Allele origin: germline. Affected: yes.
Comment: Has not been previously published as pathogenic or benign to our knowledge; In silico analysis supports that this variant does not alter splicing; Located in an alternate transcript of the LDB3 gene

NM_007078.3(LDB3):c.428G>A (p.Ser143Asn)

Gene: LDB3 (LIM domain binding 3; plus strand). Cytogenetic location: 10q23.2.
Variant type: single nucleotide variant.
Coding change: c.428G>A on transcript NM_007078.3 (MANE Select); coding-DNA position 428, G replaced by A.
Protein change: p.Ser143Asn; replaces serine 143 with asparagine.
Molecular consequence: missense variant. On other transcripts: intron variant (5).
Genome position (GRCh38, 1-based): chr10:86,681,542, G>A. VCF-style: chr10-86681542-G-A. GRCh37 (hg19) VCF-style: chr10-88441299-G-A.
Other names: c.428G>A, p.Ser143Asn (NM_001080115.2, NM_001171610.2, NM_001171611.2 and 3 more transcripts); c.321+1385G>A (NM_001368068.1, NM_001368066.1, NM_001080114.2 and 2 more transcripts); short protein forms S143N.
Identifiers: ClinVar variation 1203323 (VCV001203323.15), dbSNP rs201773873, ClinGen allele CA211211931.